The following is an entry in ClinVar:

NM_144639.3(UROC1):c.356C>G (p.Pro119Arg)

Gene: UROC1 (urocanate hydratase 1; minus strand). Cytogenetic location: 3q21.3.
Variant type: single nucleotide variant.
Coding change: c.356C>G on transcript NM_144639.3 (MANE Select); coding-DNA position 356, C replaced by G.
Protein change: p.Pro119Arg; replaces proline 119 with arginine.
Molecular consequence: missense variant.
Genome position (GRCh38, 1-based): chr3:126,508,471, G>C on the plus strand (C>G on the coding strand, the complement: UROC1 is on the minus strand). VCF-style: chr3-126508471-G-C. GRCh37 (hg19) VCF-style: chr3-126227314-G-C.
Other names: c.356C>G, p.Pro119Arg (NM_001165974.2); short protein forms P119R.
Identifiers: ClinVar variation 4847845 (VCV004847845.1).

ClinVar aggregate classification (germline): Uncertain significance (1 of 4 stars; one submission).

gnomAD v4.1: 155 of 1,613,356 alleles (0.0096%); highest among the groups gnomAD compares: Middle Eastern, 0.13%; no homozygotes.

Submission:

Women's Health and Genetics/Laboratory Corporation of America, LabCorp
Classification: Uncertain significance. Last evaluated: 2026-02-13. Review status: criteria provided, single submitter. Criteria: LabCorp Variant Classification Summary - May 2015. Collection method: clinical testing. Allele origin: germline.
Comment: Variant summary: UROC1 c.356C>G (p.Pro119Arg) results in a non-conservative amino acid change in the encoded protein sequence. Algorithms developed to predict the effect of missense changes on protein structure and function all suggest that this variant is likely to be disruptive. The variant allele was found at a frequency of 9.2e-05 in 249788 control chromosomes. This frequency is not significantly higher than estimated for disease-causing variants in UROC1, allowing no conclusion about variant significance. c.356C>G has been observed in individuals affected with Urocanate Hydratase Deficiency but without overt clinical phenotype (Glinton_2019). These report(s) do not provide unequivocal conclusions about association of the variant with Urocanate Hydratase Deficiency. To our knowledge, no experimental evidence demonstrating an impact on protein function has been reported. The following publication have been ascertained in the context of this evaluation (PMID: 30619714). No submitters have cited clinical-significance assessments for this variant to ClinVar. Based on the evidence outlined above, the variant was classified as uncertain significance.

Literature cited by the submitters: PubMed 30619714.